The following is an entry in ClinVar:

NM_003922.4(HERC1):c.11411_11433+191delinsTCTAGTG

Gene: HERC1 (HECT and RLD domain containing E3 ubiquitin protein ligase family member 1; minus strand). Cytogenetic location: 15q22.31.
Variant type: Indel.
Coding change: c.11411_11433+191delinsTCTAGTG on transcript NM_003922.4 (MANE Select); coding-DNA position 11411 through 191 bases into the intron after coding-DNA position 11433, the reference bases replaced by TCTAGTG.
Molecular consequence: splice donor variant.
Genome position (GRCh38, 1-based): chr15:63,642,766-63,642,979, 214 bases replaced. GRCh37 (hg19): chr15:63,934,965-63,935,178.
Identifiers: ClinVar variation 3603241 (VCV003603241.1).

ClinVar aggregate classification (germline): Uncertain significance (1 of 4 stars; one submission).

Submission:

GeneDx
Classification: Uncertain significance. Last evaluated: 2024-08-06. Review status: criteria provided, single submitter. Criteria: GeneDx Variant Classification Process June 2021. Collection method: clinical testing. Allele origin: germline. Affected: yes.
Comment: Canonical splice site variant predicted to result in an in-frame loss of the adjacent exon in a gene for which loss of function is a known mechanism of disease; No data available from control populations to assess the frequency of this variant; Has not been previously published as pathogenic or benign to our knowledge